The following is an entry in ClinVar:

ClinVar aggregate classification (germline): Uncertain significance (1 of 4 stars; one submission).

Submission:

Labcorp Genetics (formerly Invitae), Labcorp
Classification: Uncertain significance. Last evaluated: 2021-12-02. Review status: criteria provided, single submitter. Criteria: Invitae Variant Classification Sherloc (09022015). Collection method: clinical testing. Allele origin: germline.
Comment: This variant is a gross deletion of the genomic region encompassing exon(s) 2 of the ERCC8 gene. This variant would be expected to be in-frame, preserving the integrity of the reading frame. This variant has not been reported in the literature in individuals affected with ERCC8-related conditions. Experimental studies and prediction algorithms are not available or were not evaluated, and the functional significance of this variant is currently unknown. In summary, the available evidence is currently insufficient to determine the role of this variant in disease. Therefore, it has been classified as a Variant of Uncertain Significance.

NC_000005.9:g.(?_60223572)_(60224806_?)del

Gene: ERCC8 (ERCC excision repair 8, CSA ubiquitin ligase complex subunit; minus strand). Cytogenetic location: 5q12.1.
Variant type: Deletion.
Identifiers: ClinVar variation 1408950 (VCV001408950.6).